The following is an entry in ClinVar:

ClinVar aggregate classification (germline): Uncertain significance. Review status: criteria provided, multiple submitters, no conflicts (2 of 4 stars). 4 submissions from 4 submitters: Uncertain significance (4). Last evaluated 2026-07-06.

Conditions:
Familial thoracic aortic aneurysm and aortic dissection (TAAD). Also called: Thoracic aortic aneurysms and dissections. Identifiers: Orphanet 91387, MedGen C4707243, MONDO:0019625.
Aortic aneurysm, familial thoracic 4 (AAT4). Also called: AORTIC ANEURYSM/AORTIC DISSECTION AND PATENT DUCTUS ARTERIOSUS. Identifiers: MedGen C1851504, MONDO:0007568, OMIM 132900.

Allele frequency attached by ClinVar (database versions not stated): gnomAD exomes 0.00001.
gnomAD v4.1: 12 of 1,614,018 alleles (0.00074%); highest among the groups gnomAD compares: Non-Finnish European, 0.00093%; no homozygotes.

Submissions (4):

Ambry Genetics
Classification: Uncertain significance for Familial thoracic aortic aneurysm and aortic dissection. Last evaluated: 2026-07-06. Review status: criteria provided, single submitter. Criteria: Ambry Variant Classification Scheme 2023. Collection method: clinical testing. Allele origin: germline.
Comment: The p.A332S variant (also known as c.994G>T), located in coding exon 8 of the MYH11 gene, results from a G to T substitution at nucleotide position 994. The alanine at codon 332 is replaced by serine, an amino acid with similar properties. This amino acid position is conserved. In addition, the in silico prediction for this alteration is inconclusive. Based on the available evidence, the clinical significance of this variant remains unclear.

Labcorp Genetics (formerly Invitae), Labcorp
Classification: Uncertain significance for Aortic aneurysm, familial thoracic 4. Last evaluated: 2025-06-27. Review status: criteria provided, single submitter. Criteria: Invitae Variant Classification Sherloc (09022015). Collection method: clinical testing. Allele origin: germline.
Comment: This sequence change replaces alanine, which is neutral and non-polar, with serine, which is neutral and polar, at codon 339 of the MYH11 protein (p.Ala339Ser). This variant is not present in population databases (gnomAD no frequency). This variant has not been reported in the literature in individuals affected with MYH11-related conditions. ClinVar contains an entry for this variant (Variation ID: 927067). Invitae Evidence Modeling of protein sequence and biophysical properties (such as structural, functional, and spatial information, amino acid conservation, physicochemical variation, residue mobility, and thermodynamic stability) indicates that this missense variant is not expected to disrupt MYH11 protein function with a negative predictive value of 95%. In summary, the available evidence is currently insufficient to determine the role of this variant in disease. Therefore, it has been classified as a Variant of Uncertain Significance.

Color Diagnostics, LLC DBA Color Health
Classification: Uncertain significance for Familial thoracic aortic aneurysm and aortic dissection. Last evaluated: 2024-03-06. Review status: criteria provided, single submitter. Criteria: ACMG Guidelines, 2015. Collection method: clinical testing. Allele origin: germline.
Comment: This missense variant replaces alanine with serine at codon 339 of the MYH11 protein. Computational prediction suggests that this variant may not impact protein structure and function (internally defined REVEL score threshold <= 0.5, PMID: 27666373). To our knowledge, functional studies have not been reported for this variant. This variant has not been reported in individuals affected with MYH11-related disorders in the literature. This variant has not been identified in the general population by the Genome Aggregation Database (gnomAD). The available evidence is insufficient to determine the role of this variant in disease conclusively. Therefore, this variant is classified as a Variant of Uncertain Significance.

All of Us Research Program, National Institutes of Health
Classification: Uncertain significance for Familial thoracic aortic aneurysm and aortic dissection. Last evaluated: 2023-06-08. Review status: criteria provided, single submitter. Criteria: ACMG Guidelines, 2015. Collection method: clinical testing. Allele origin: germline. Inheritance: Autosomal dominant inheritance. Observed: 1 variant allele, 1 heterozygote.
Comment: This missense variant replaces alanine with serine at codon 339 of the MYH11 protein. Computational prediction tools and conservation analyses are inconclusive regarding the impact of this variant on protein structure and function. Splice site prediction tools suggest that this variant may not impact RNA splicing. To our knowledge, functional studies have not been performed for this variant. This variant has not been reported in individuals affected with cardiovascular disorders in the literature. This variant has not been identified in the general population by the Genome Aggregation Database (gnomAD). The available evidence is insufficient to determine the role of this variant in disease conclusively. Therefore, this variant is classified as a Variant of Uncertain Significance.

This study involves interpretation of variants in research participants for the purpose of population health screening. Participant phenotype was not available at the time of variant classification. Additional details can be found in publication PMID: 35346344, PMCID: PMC8962531

NM_002474.3(MYH11):c.994G>T (p.Ala332Ser)

Gene: MYH11 (myosin heavy chain 11; minus strand). Cytogenetic location: 16p13.11.
Variant type: single nucleotide variant.
Coding change: c.994G>T on transcript NM_002474.3 (MANE Select); coding-DNA position 994, G replaced by T.
Protein change: p.Ala332Ser; replaces alanine 332 with serine.
Molecular consequence: missense variant.
Genome position (GRCh38, 1-based): chr16:15,771,608, C>A on the plus strand (G>T on the coding strand, the complement: MYH11 is on the minus strand). VCF-style: chr16-15771608-C-A. GRCh37 (hg19) VCF-style: chr16-15865465-C-A.
Other names: c.1015G>T, p.Ala339Ser (NM_001040113.2, NM_001040114.2); c.994G>T, p.Ala332Ser (NM_022844.3); c.994G>T (NM_002474.2); short protein forms A332S, A339S.
Identifiers: ClinVar variation 927067 (VCV000927067.8), dbSNP rs2042103218, ClinGen allele CA394867680.